The following is an entry in ClinVar:

NM_182931.3(KMT2E):c.746C>G (p.Ser249Cys)

Gene: KMT2E (lysine methyltransferase 2E (inactive); plus strand). Cytogenetic location: 7q22.3.
Variant type: single nucleotide variant.
Coding change: c.746C>G on transcript NM_182931.3 (MANE Select); coding-DNA position 746, C replaced by G.
Protein change: p.Ser249Cys; replaces serine 249 with cysteine.
Molecular consequence: missense variant.
Genome position (GRCh38, 1-based): chr7:105,076,059, C>G. VCF-style: chr7-105076059-C-G. GRCh37 (hg19) VCF-style: chr7-104716506-C-G.
Other names: c.746C>G, p.Ser249Cys (NM_001410908.1, NM_018682.4); short protein forms S249C.
Identifiers: ClinVar variation 1712048 (VCV001712048.2), dbSNP rs1584764231, ClinGen allele CA368777345.

ClinVar aggregate classification (germline): Uncertain significance (1 of 4 stars; one submission).

Submission:

GeneDx
Classification: Uncertain significance. Last evaluated: 2022-04-18. Review status: criteria provided, single submitter. Criteria: GeneDx Variant Classification Process June 2021. Collection method: clinical testing. Allele origin: germline. Affected: yes.
Comment: Not observed at significant frequency in large population cohorts (gnomAD); In silico analysis supports that this missense variant has a deleterious effect on protein structure/function; Has not been previously published as pathogenic or benign to our knowledge